The following is an entry in ClinVar:

ClinVar aggregate classification (germline): Uncertain significance (1 of 4 stars; one submission).

Submission:

GeneDx
Classification: Uncertain significance. Last evaluated: 2024-01-10. Review status: criteria provided, single submitter. Criteria: GeneDx Variant Classification Process June 2021. Collection method: clinical testing. Allele origin: germline. Affected: yes.
Comment: Canonical splice site variant in a gene for which loss of function is not a well-established mechanism of disease; Not observed at significant frequency in large population cohorts (gnomAD); Has not been previously published as pathogenic or benign to our knowledge; Variants in candidate genes are classified as variants of uncertain significance in accordance with ACMG guidelines (PMID: 25741868)

NM_002253.4(KDR):c.1646-2A>C

Gene: KDR (kinase insert domain receptor; minus strand). Cytogenetic location: 4q12.
Variant type: single nucleotide variant.
Coding change: c.1646-2A>C on transcript NM_002253.4 (MANE Select); the canonical splice acceptor site of the intron before coding-DNA position 1646, A replaced by C.
Molecular consequence: splice acceptor variant.
Genome position (GRCh38, 1-based): chr4:55,104,986, T>G on the plus strand (A>C on the coding strand, the complement: KDR is on the minus strand). VCF-style: chr4-55104986-T-G. GRCh37 (hg19) VCF-style: chr4-55971153-T-G.
Identifiers: ClinVar variation 4075512 (VCV004075512.1).
Genomic context (GRCh38, chr4:55,104,986, plus strand): 5'-AGACACGCTCTCCTGCTCAGTGGGCTGCATGTCAGGTTGCAAAGTAATTTCAGGACCCCC[T>G]AAAATGAAGAGGCCATAGTTATTGAATGGTGATTTAACTTGGTACAGCTCACTATCATCT-3'